The following is an entry in ClinVar:

NM_006586.5(CNPY3):c.795G>A (p.Gln265=)

Genes: CNPY3 (canopy FGF signaling regulator 3; plus strand), CNPY3-GNMT (CNPY3-GNMT readthrough; plus strand). Cytogenetic location: 6p21.1.
Variant type: single nucleotide variant.
Coding change: c.795G>A on transcript NM_006586.5 (MANE Select); coding-DNA position 795, G replaced by A.
Protein change: p.Gln265=; no amino-acid change (glutamine 265 retained).
Molecular consequence: synonymous variant. On other transcripts: non-coding transcript variant (4), intron variant (3).
Genome position (GRCh38, 1-based): chr6:42,938,749, G>A. VCF-style: chr6-42938749-G-A. GRCh37 (hg19) VCF-style: chr6-42906487-G-A.
Other names: c.894G>A, p.Gln298= (NM_001318842.1); c.528G>A, p.Gln176= (NM_001318845.1); c.8+9028G>A (NM_001318856.2); c.151+9028G>A (NM_001318857.2, NM_001318858.2).
Identifiers: ClinVar variation 4986317 (VCV004986317.1).

ClinVar aggregate classification (germline): Likely benign (1 of 4 stars; one submission).

Conditions:
CNPY3-related disorder. Also called: CNPY3-related condition.

gnomAD v4.1: 2 of 1,613,730 alleles (0.00012%); highest among the groups gnomAD compares: Admixed American, 0.0033%; no homozygotes.

Submission:

PreventionGenetics, part of Exact Sciences
Classification: Likely benign for CNPY3-related condition. Last evaluated: 2026-01-22. Review status: criteria provided, single submitter. Criteria: ACMG Guidelines, 2015. Collection method: clinical testing. Allele origin: germline.
Comment: This variant is classified as likely benign based on ACMG/AMP sequence variant interpretation guidelines (Richards et al. 2015 PMID: 25741868, with internal and published modifications).